The following is an entry in ClinVar:

ClinVar aggregate classification (germline): Uncertain significance (1 of 4 stars; one submission).

Allele frequency attached by ClinVar (database versions not stated): gnomAD exomes below 0.00001.
gnomAD v4.1: 1 of 1,614,200 alleles (0.000062%); highest among the groups gnomAD compares: Non-Finnish European, 0.000085%; no homozygotes.

Submission:

Labcorp Genetics (formerly Invitae), Labcorp
Classification: Uncertain significance. Last evaluated: 2022-02-22. Review status: criteria provided, single submitter. Criteria: Invitae Variant Classification Sherloc (09022015). Collection method: clinical testing. Allele origin: germline.
Comment: In summary, the available evidence is currently insufficient to determine the role of this variant in disease. Therefore, it has been classified as a Variant of Uncertain Significance. Algorithms developed to predict the effect of missense changes on protein structure and function (SIFT, PolyPhen-2, Align-GVGD) all suggest that this variant is likely to be disruptive. This variant has not been reported in the literature in individuals affected with DHCR24-related conditions. This variant is not present in population databases (gnomAD no frequency). This sequence change replaces isoleucine, which is neutral and non-polar, with threonine, which is neutral and polar, at codon 121 of the DHCR24 protein (p.Ile121Thr).

NM_014762.4(DHCR24):c.362T>C (p.Ile121Thr)

Gene: DHCR24 (24-dehydrocholesterol reductase; minus strand). Cytogenetic location: 1p32.3.
Variant type: single nucleotide variant.
Coding change: c.362T>C on transcript NM_014762.4 (MANE Select); coding-DNA position 362, T replaced by C.
Protein change: p.Ile121Thr; replaces isoleucine 121 with threonine.
Molecular consequence: missense variant.
Genome position (GRCh38, 1-based): chr1:54,883,643, A>G on the plus strand (T>C on the coding strand, the complement: DHCR24 is on the minus strand). VCF-style: chr1-54883643-A-G. GRCh37 (hg19) VCF-style: chr1-55349316-A-G.
Other names: short protein forms I121T.
Identifiers: ClinVar variation 2101937 (VCV002101937.4), dbSNP rs1647076579, ClinGen allele CA340464580.